The following is an entry in ClinVar:

NM_001367479.1(DNAH14):c.9251A>G (p.Asn3084Ser)

Gene: DNAH14 (dynein axonemal heavy chain 14; plus strand). Cytogenetic location: 1q42.12.
Variant type: single nucleotide variant.
Coding change: c.9251A>G on transcript NM_001367479.1 (MANE Select); coding-DNA position 9251, A replaced by G.
Protein change: p.Asn3084Ser; replaces asparagine 3084 with serine.
Molecular consequence: missense variant.
Genome position (GRCh38, 1-based): chr1:225,318,593, A>G. VCF-style: chr1-225318593-A-G. GRCh37 (hg19) VCF-style: chr1-225506295-A-G.
Other names: NM_001373.1:c.8972A>G; short protein forms N3084S.
Identifiers: ClinVar variation 1810731 (VCV001810731.3), dbSNP rs371972178, ClinGen allele CA1416510.

ClinVar aggregate classification (germline): Conflicting classifications of pathogenicity. Review status: criteria provided, conflicting classifications (1 of 4 stars). 2 submissions from 2 submitters: Uncertain significance (1); Likely benign (1). Last evaluated 2026-06-17.

Conditions:
DNAH14-related disorder. Also called: DNAH14-related condition.

Allele frequency attached by ClinVar (database versions not stated): gnomAD exomes 0.00009; ExAC 0.00041; 1000 Genomes Project 30x 0.00047; 1000 Genomes Project 0.00060; gnomAD 0.00104; TOPMed 0.00112; ESP Exome Variant Server 0.00197.
gnomAD v4.1: 289 of 1,545,326 alleles (0.019%); highest among the groups gnomAD compares: African/African-American, 0.34%; no homozygotes.

Submissions (2):

GeneDx
Classification: Uncertain significance. Last evaluated: 2026-06-17. Review status: criteria provided, single submitter. Criteria: GeneDx Variant Classification Process June 2021. Collection method: clinical testing. Allele origin: germline.
Comment: In silico analysis suggests that this missense variant does not alter protein structure/function; Has not been previously published as pathogenic or benign to our knowledge

PreventionGenetics, part of Exact Sciences
Classification: Likely benign for DNAH14-related condition. Last evaluated: 2025-10-26. Review status: criteria provided, single submitter. Criteria: ACMG Guidelines, 2015. Collection method: clinical testing. Allele origin: germline.
Comment: This variant is classified as likely benign based on ACMG/AMP sequence variant interpretation guidelines (Richards et al. 2015 PMID: 25741868, with internal and published modifications).